The following is an entry in ClinVar:

NM_017654.4(SAMD9):c.3315G>A (p.Trp1105Ter)

Gene: SAMD9 (sterile alpha motif domain containing 9; minus strand). Cytogenetic location: 7q21.2.
Variant type: single nucleotide variant.
Coding change: c.3315G>A on transcript NM_017654.4 (MANE Select); coding-DNA position 3315, G replaced by A.
Protein change: p.Trp1105Ter; replaces tryptophan 1105 with a stop codon.
Molecular consequence: nonsense.
Genome position (GRCh38, 1-based): chr7:93,102,783, C>T on the plus strand (G>A on the coding strand, the complement: SAMD9 is on the minus strand). VCF-style: chr7-93102783-C-T. GRCh37 (hg19) VCF-style: chr7-92732096-C-T.
Other names: c.3315G>A, p.Trp1105Ter (NM_001193307.2); short protein forms W1105*.
Identifiers: ClinVar variation 1919858 (VCV001919858.4), dbSNP rs2116415235, ClinGen allele CA368185903.

ClinVar aggregate classification (germline): Uncertain significance (1 of 4 stars; one submission).

Allele frequency attached by ClinVar (database versions not stated): gnomAD 0.00001.
gnomAD v4.1: 2 of 1,613,730 alleles (0.00012%); highest among the groups gnomAD compares: African/African-American, 0.0013%; no homozygotes.

Submission:

Labcorp Genetics (formerly Invitae), Labcorp
Classification: Uncertain significance. Last evaluated: 2024-04-06. Review status: criteria provided, single submitter. Criteria: Invitae Variant Classification Sherloc (09022015). Collection method: clinical testing. Allele origin: germline.
Comment: This sequence change creates a premature translational stop signal (p.Trp1105*) in the SAMD9 gene. While this is not anticipated to result in nonsense mediated decay, it is expected to disrupt the last 485 amino acid(s) of the SAMD9 protein. This variant is not present in population databases (gnomAD no frequency). This variant has not been reported in the literature in individuals affected with SAMD9-related conditions. ClinVar contains an entry for this variant (Variation ID: 1919858). Experimental studies and prediction algorithms are not available or were not evaluated, and the functional significance of this variant is currently unknown. In summary, the available evidence is currently insufficient to determine the role of this variant in disease. Therefore, it has been classified as a Variant of Uncertain Significance.